The following is an entry in ClinVar:

ClinVar aggregate classification (germline): Uncertain significance (1 of 4 stars; one submission).

Allele frequency attached by ClinVar (database versions not stated): gnomAD exomes below 0.00001; TOPMed below 0.00001.

Submission:

GeneDx
Classification: Uncertain significance. Last evaluated: 2022-06-02. Review status: criteria provided, single submitter. Criteria: GeneDx Variant Classification Process June 2021. Collection method: clinical testing. Allele origin: germline. Affected: yes.
Comment: Not observed at significant frequency in large population cohorts (gnomAD); In silico analysis supports that this missense variant has a deleterious effect on protein structure/function; Has not been previously published as pathogenic or benign to our knowledge

NM_018896.5(CACNA1G):c.2557C>T (p.Arg853Trp)

Gene: CACNA1G (calcium voltage-gated channel subunit alpha1 G; plus strand). Cytogenetic location: 17q21.33.
Variant type: single nucleotide variant.
Coding change: c.2557C>T on transcript NM_018896.5 (MANE Select); coding-DNA position 2557, C replaced by T.
Protein change: p.Arg853Trp; replaces arginine 853 with tryptophan.
Molecular consequence: missense variant. On other transcripts: non-coding transcript variant (5).
Genome position (GRCh38, 1-based): chr17:50,591,538, C>T. VCF-style: chr17-50591538-C-T. GRCh37 (hg19) VCF-style: chr17-48668899-C-T.
Other names: c.2557C>T, p.Arg853Trp (NM_001256324.2, NM_001256325.2, NM_001256326.2 and 24 more transcripts); short protein forms R853W.
Identifiers: ClinVar variation 1801887 (VCV001801887.1), dbSNP rs1348198217, ClinGen allele CA400248496.